The following is an entry in ClinVar:

ClinVar aggregate classification (germline): Conflicting classifications of pathogenicity. Review status: criteria provided, conflicting classifications (1 of 4 stars). 5 submissions from 5 submitters: Uncertain significance (1); Benign (1); Likely benign (2). 1 of the submissions does not count toward it. Last evaluated 2026-01-21.

Conditions:
DARS1-related disorder. Also called: DARS1-related condition.

Allele frequency attached by ClinVar (database versions not stated): gnomAD exomes 0.00068 and 0.00107; ExAC 0.00113; 1000 Genomes Project 0.00220; gnomAD 0.00230 and 0.00244; 1000 Genomes Project 30x 0.00234; ESP Exome Variant Server 0.00254; TOPMed 0.00257.
gnomAD v4.1: 1,365 of 1,607,008 alleles (0.085%); highest among the groups gnomAD compares: African/African-American, 0.6%; 5 homozygotes.

Submissions (5):

Labcorp Genetics (formerly Invitae), Labcorp
Classification: Likely benign. Last evaluated: 2026-01-21. Review status: criteria provided, single submitter. Criteria: Invitae Variant Classification Sherloc (09022015). Collection method: clinical testing. Allele origin: germline.

Blueprint Genetics
Classification: Likely benign. Last evaluated: 2024-10-22. Review status: criteria provided, single submitter. Criteria: ACMG Guidelines, 2015. Collection method: clinical testing. Allele origin: germline.

CeGaT Center for Human Genetics Tuebingen
Classification: Benign. Last evaluated: 2022-05-01. Review status: criteria provided, single submitter. Criteria: CeGaT Center For Human Genetics Tuebingen Variant Classification Criteria Version 2. Collection method: clinical testing. Allele origin: germline. Affected: yes. Observed: 1 variant allele.
Comment: DARS1: BS1, BS2

GeneDx
Classification: Uncertain significance. Last evaluated: 2017-10-19. Review status: criteria provided, single submitter. Criteria: GeneDx Variant Classification (06012015). Collection method: clinical testing. Allele origin: germline. Affected: yes.
Comment: The R197H variant has not been published as a pathogenic variant, nor has it been reported as a benign variant to our knowledge. The R197H variant is observed in 83/10,002 (0.8%) of alleles from individuals of Ashkenazi Jewish background including one individual who was apparently homozygous for R197H (Lek et al., 2016). The R197H variant is a conservative amino acid substitution, which is not likely to impact secondary protein structure as these residues share similar properties. This substitution occurs at a position that is not conserved. In silico analysis predicts this variant is probably damaging to the protein structure/function. In summary, based on the currently available information, it is unclear whether this variant is a pathogenic variant or a rare benign variant.

PreventionGenetics, part of Exact Sciences
Classification: Benign for DARS1-related condition. Last evaluated: 2019-07-10. Review status: no assertion criteria provided. Collection method: clinical testing. Allele origin: germline. Not counted in ClinVar's aggregate classification.
Comment: This variant is classified as benign based on ACMG/AMP sequence variant interpretation guidelines (Richards et al. 2015 PMID: 25741868, with internal and published modifications).

NM_001349.4(DARS1):c.590G>A (p.Arg197His)

Gene: DARS1 (aspartyl-tRNA synthetase 1; minus strand). Cytogenetic location: 2q21.3.
Variant type: single nucleotide variant.
Coding change: c.590G>A on transcript NM_001349.4 (MANE Select); coding-DNA position 590, G replaced by A.
Protein change: p.Arg197His; replaces arginine 197 with histidine.
Molecular consequence: missense variant.
Genome position (GRCh38, 1-based): chr2:135,924,473, C>T on the plus strand (G>A on the coding strand, the complement: DARS1 is on the minus strand). VCF-style: chr2-135924473-C-T. GRCh37 (hg19) VCF-style: chr2-136682043-C-T.
Other names: c.290G>A, p.Arg97His (NM_001293312.1); short protein forms R197H, R97H.
Identifiers: ClinVar variation 449797 (VCV000449797.46), dbSNP rs141522501, ClinGen allele CA1889736.
Genomic context (GRCh38, chr2:135,924,473, plus strand): 5'-TCCACAAAACCTTTGTTAATTAAAGTTTCTCGGAAGAGATGGCAGATGCCAGACTGGAGA[C>T]GGAAGACTGCCTGACTAGTTGATGTCTAGAAGACAGTAATAAAATCTAATTAAATCAACG-3'
Protein context (NP_001340.2, residues 187-207): LRTSTSQAVF[Arg197His]LQSGICHLFR